The following is an entry in ClinVar:

NM_001205293.3(CACNA1E):c.2636G>T (p.Arg879Leu)

Gene: CACNA1E (calcium voltage-gated channel subunit alpha1 E; plus strand). Cytogenetic location: 1q25.3.
Variant type: single nucleotide variant.
Coding change: c.2636G>T on transcript NM_001205293.3 (MANE Select); coding-DNA position 2636, G replaced by T.
Protein change: p.Arg879Leu; replaces arginine 879 with leucine.
Molecular consequence: missense variant.
Genome position (GRCh38, 1-based): chr1:181,732,722, G>T. VCF-style: chr1-181732722-G-T. GRCh37 (hg19) VCF-style: chr1-181701858-G-T.
Other names: c.2636G>T, p.Arg879Leu (NM_000721.4); c.2579G>T, p.Arg860Leu (NM_001205294.2); short protein forms R860L, R879L.
Identifiers: ClinVar variation 2840381 (VCV002840381.3), dbSNP rs572337472, ClinGen allele CA343618269.

ClinVar aggregate classification (germline): Uncertain significance (1 of 4 stars; one submission).

Submission:

Labcorp Genetics (formerly Invitae), Labcorp
Classification: Uncertain significance. Last evaluated: 2023-05-05. Review status: criteria provided, single submitter. Criteria: Invitae Variant Classification Sherloc (09022015). Collection method: clinical testing. Allele origin: germline.
Comment: In summary, the available evidence is currently insufficient to determine the role of this variant in disease. Therefore, it has been classified as a Variant of Uncertain Significance. Advanced modeling of protein sequence and biophysical properties (such as structural, functional, and spatial information, amino acid conservation, physicochemical variation, residue mobility, and thermodynamic stability) has been performed at Invitae for this missense variant, however the output from this modeling did not meet the statistical confidence thresholds required to predict the impact of this variant on CACNA1E protein function. This variant has not been reported in the literature in individuals affected with CACNA1E-related conditions. This variant is not present in population databases (gnomAD no frequency). This sequence change replaces arginine, which is basic and polar, with leucine, which is neutral and non-polar, at codon 879 of the CACNA1E protein (p.Arg879Leu).